The following is an entry in ClinVar:

NM_006059.4(LAMC3):c.1599C>G (p.Ser533Arg)

Gene: LAMC3 (laminin subunit gamma 3; plus strand). Cytogenetic location: 9q34.12.
Variant type: single nucleotide variant.
Coding change: c.1599C>G on transcript NM_006059.4 (MANE Select); coding-DNA position 1599, C replaced by G.
Protein change: p.Ser533Arg; replaces serine 533 with arginine.
Molecular consequence: missense variant.
Genome position (GRCh38, 1-based): chr9:131,049,099, C>G. VCF-style: chr9-131049099-C-G. GRCh37 (hg19) VCF-style: chr9-133924486-C-G.
Other names: short protein forms S533R.
Identifiers: ClinVar variation 1930240 (VCV001930240.5), dbSNP rs1284884857, ClinGen allele CA375263328.
Genomic context (GRCh38, chr9:131,049,099, plus strand): 5'-CAGAAGTGTGGGGGGCTCTGAGCACCCCCCACAATGGAGCCCAAATGGGGTCCTCCTGAG[C>G]CCAGAAGACGAGGAGGAGCTCACAGCACCAGGTACCTCCAGCACCAGGTGGGGGCTGGCC-3'
Protein context (NP_006050.3, residues 523-543): PQWSPNGVLL[Ser533Arg]PEDEEELTAP

ClinVar aggregate classification (germline): Uncertain significance (1 of 4 stars; one submission).

Allele frequency attached by ClinVar (database versions not stated): gnomAD exomes below 0.00001.
gnomAD v4.1: 1 of 1,551,726 alleles (0.000064%); highest among the groups gnomAD compares: Admixed American, 0.002%; no homozygotes.

Submission:

Labcorp Genetics (formerly Invitae), Labcorp
Classification: Uncertain significance. Last evaluated: 2024-05-15. Review status: criteria provided, single submitter. Criteria: Invitae Variant Classification Sherloc (09022015). Collection method: clinical testing. Allele origin: germline.
Comment: This sequence change replaces serine, which is neutral and polar, with arginine, which is basic and polar, at codon 533 of the LAMC3 protein (p.Ser533Arg). This variant is not present in population databases (gnomAD no frequency). This variant has not been reported in the literature in individuals affected with LAMC3-related conditions. ClinVar contains an entry for this variant (Variation ID: 1930240). An algorithm developed to predict the effect of missense changes on protein structure and function (PolyPhen-2) suggests that this variant is likely to be tolerated. In summary, the available evidence is currently insufficient to determine the role of this variant in disease. Therefore, it has been classified as a Variant of Uncertain Significance.